The following is an entry in ClinVar:

ClinVar aggregate classification (germline): Pathogenic (1 of 4 stars; one submission).

Conditions:
Peroxisome biogenesis disorder. Identifiers: Orphanet 79189, MedGen C1832200, MONDO:0019234. Disease mechanism: loss of function.

Submission:

Myriad Genetics, Inc.
Classification: Pathogenic for Peroxisome biogenesis disorder. Last evaluated: 2025-07-22. Review status: criteria provided, single submitter. Criteria: Myriad Autosomal Dominant, Autosomal Recessive and X-Linked Classification Criteria (2023). Collection method: clinical testing. Allele origin: unknown.
Comment: NM_000287.3(PEX6):c.665G>A(W222*) is a nonsense variant classified as pathogenic in the context of peroxisome biogenesis disorder type 4. W222* has not been observed in cases with relevant disease. Relevant functional assessments of this variant are not available in the literature. W222* has not been observed in referenced population frequency databases. In summary, NM_000287.3(PEX6):c.665G>A(W222*) is a nonsense variant in a gene where loss of function is a known mechanism of disease and is predicted to disrupt protein function. Please note: this variant was assessed in the context of healthy population screening.

NM_000287.4(PEX6):c.665G>A (p.Trp222Ter)

Gene: PEX6 (peroxisomal biogenesis factor 6; minus strand). Cytogenetic location: 6p21.1.
Variant type: single nucleotide variant.
Coding change: c.665G>A on transcript NM_000287.4 (MANE Select); coding-DNA position 665, G replaced by A.
Protein change: p.Trp222Ter; replaces tryptophan 222 with a stop codon.
Molecular consequence: nonsense. On other transcripts: non-coding transcript variant (1), intron variant (1).
Genome position (GRCh38, 1-based): chr6:42,978,486, C>T on the plus strand (G>A on the coding strand, the complement: PEX6 is on the minus strand). VCF-style: chr6-42978486-C-T. GRCh37 (hg19) VCF-style: chr6-42946224-C-T.
Other names: c.618+47G>A (NM_001316313.2); short protein forms W222*.
Identifiers: ClinVar variation 5004070 (VCV005004070.1).
Genomic context (GRCh38, chr6:42,978,486, plus strand): 5'-ACCCTAGCCAAGTGCGGCTGTGAAGTGTTCGATGACTCTCTGGCCTGGGCCACCCACACC[C>T]ATTCGCCCTGGAAGAGGCCAAGGCCACGGAGACAGCTCCGGCTCACCCCTAGTGAATCTC-3'